The following is an entry in ClinVar:

ClinVar aggregate classification (germline): Pathogenic/Likely pathogenic. Review status: criteria provided, multiple submitters, no conflicts (2 of 4 stars). 8 submissions from 8 submitters: Pathogenic (7); Likely pathogenic (1). Last evaluated 2025-09-03.

Conditions:
GJA8-related disorders.
GJA8-related disorder. Also called: GJA8-related condition.
Cataract 1 multiple types. Also called: CATARACT, DUFFY-LINKED; CATARACT 1, MULTIPLE TYPES, WITH OR WITHOUT MICROCORNEA; CATARACT 1, NUCLEAR PROGRESSIVE; CATARACT 1 WITH MICROCORNEA; CATARACT 1, POSTERIOR SUBCAPSULAR, WITH MICROCORNEA; CATARACT 1, STELLATE NUCLEAR, WITH MICROCORNEA. Identifiers: Orphanet 1377, MedGen C1861828, MONDO:0007285, OMIM 116200.

Submissions (8):

PreventionGenetics, part of Exact Sciences
Classification: Pathogenic for GJA8-related condition. Last evaluated: 2025-09-03. Review status: criteria provided, single submitter. Criteria: ACMG Guidelines, 2015. Collection method: clinical testing. Allele origin: germline.
Comment: The GJA8 c.263C>T variant is predicted to result in the amino acid substitution p.Pro88Leu. This variant was reported in an individual with autosomal dominant congenital cataracts and has been shown to negatively impact protein function (Jin et al. 2022. PubMed ID: 35531093). Another alteration at this amino acid position (p.Pro88Ser) has been identified in a family with congenital cataracts and was shown to negatively impact protein function (Berthoud et al. 2003. PubMed ID: 12800976; Shiels et al. 1998. PubMed ID: 9497259; Lichtenstein et al. 2008. PubMed ID: 19073179). This variant has not been reported in a large population database (gnomAD), indicating this variant is rare. This variant is interpreted as pathogenic.

Molecular Genetics of Human Eye Development, Oxford Brookes University
Classification: Pathogenic for Cataract 1 multiple types. Last evaluated: 2025-02-18. Review status: criteria provided, single submitter. Criteria: ACMG Guidelines, 2015. Collection method: clinical testing. Allele origin: de novo. Affected: yes. Observed: 1 variant allele.
Comment: The GJA8 c.263C>T; The variant is absent in genomic databases, including gnomAD v4.1, and predicted deleterious/damaging by several in silico prediction tools including SIFT, PolyPhen and AlphaMissense. The variant has been previously reported in patients with congential cataracts (PMID: 33923544; PMID: 23508780). The variant is classified pathogenic using PS1, PS2, PS3, PM1, PM2, PP3.

GeneDx
Classification: Pathogenic. Last evaluated: 2024-09-06. Review status: criteria provided, single submitter. Criteria: GeneDx Variant Classification Process June 2021. Collection method: clinical testing. Allele origin: germline. Affected: yes.
Comment: Published functional studies suggest a damaging effect (PMID: 35531093); Not observed at significant frequency in large population cohorts (gnomAD); In silico analysis supports that this missense variant has a deleterious effect on protein structure/function; This variant is associated with the following publications: (PMID: 35531093)

Blueprint Genetics
Classification: Pathogenic for GJA8-related disorders. Last evaluated: 2024-05-15. Review status: criteria provided, single submitter. Criteria: ACMG Guidelines, 2015. Collection method: clinical testing. Allele origin: germline. Affected: yes. Observed: 1 variant allele.

Revvity Omics, Revvity
Classification: Pathogenic for Cataract 1 multiple types. Last evaluated: 2024-02-02. Review status: criteria provided, single submitter. Criteria: ACMG Guidelines, 2015. Collection method: clinical testing. Allele origin: germline.

Dept. Genetics and Cancer, Menzies Institute for Medical Research, University of Tasmania
Classification: Likely pathogenic for Cataract 1 multiple types. Last evaluated: 2023-01-21. Review status: criteria provided, single submitter. Criteria: ACMG Guidelines, 2015. Collection method: curation. Allele origin: germline. Affected: yes.
Comment: Variant identified and curated during a GJA8 specific review of the literature in relation to pediatric or congenital cataract. ACMG-AMP criteria applied: PP1(Strong), PM1(Supporting), PM2(Supporting), PM5(Supporting), PP3. Original variant report: PMID:35531093. The cataract phenotype reported for this variant is: Variable: total/nuclear/zonular. Additional phenotype/s reported in these individual/s are: Secondary nystagmus or strabismus. Gene review and curation guidelines are outlined in: DOI 10.1080/17469899.2023.2160320

Labcorp Genetics (formerly Invitae), Labcorp
Classification: Pathogenic for Cataract 1 multiple types. Last evaluated: 2022-10-08. Review status: criteria provided, single submitter. Criteria: Invitae Variant Classification Sherloc (09022015). Collection method: clinical testing. Allele origin: germline.
Comment: This variant disrupts the p.Pro88 amino acid residue in GJA8. Other variant(s) that disrupt this residue have been determined to be pathogenic (PMID: 9497259, 10362609, 12800976, 19073179). This suggests that this residue is clinically significant, and that variants that disrupt this residue are likely to be disease-causing. This sequence change replaces proline, which is neutral and non-polar, with leucine, which is neutral and non-polar, at codon 88 of the GJA8 protein (p.Pro88Leu). This variant is not present in population databases (gnomAD no frequency). This missense change has been observed in individual(s) with autosomal dominant congenital cataracts (PMID: 35531093). It has also been observed to segregate with disease in related individuals. ClinVar contains an entry for this variant (Variation ID: 1684590). Advanced modeling of protein sequence and biophysical properties (such as structural, functional, and spatial information, amino acid conservation, physicochemical variation, residue mobility, and thermodynamic stability) performed at Invitae indicates that this missense variant is expected to disrupt GJA8 protein function. Experimental studies have shown that this missense change affects GJA8 function (PMID: 35531093). For these reasons, this variant has been classified as Pathogenic.

SIB Swiss Institute of Bioinformatics
Classification: Pathogenic for Cataract 1 multiple types. Last evaluated: 2022-05-20. Review status: criteria provided, single submitter. Criteria: ACMG Guidelines, 2015. Collection method: curation. Allele origin: unknown.
Comment: This variant is interpreted as pathogenic for Cataract 1, multiple types, autosomal dominant. The following ACMG Tag(s) were applied: Absent from controls (or at extremely low frequency if recessive) in Exome Sequencing Project, 1000 Genomes Project, or Exome Aggregation Consortium (PM2); Cosegregation with disease in multiple affected family members in a gene definitively known to cause the disease (PP1 upgraded to strong); Multiple lines of computational evidence support a deleterious effect on the gene or gene product (PP3); Novel missense change at an amino acid residue where a different missense change determined to be pathogenic has been seen before (PM5); Located in a mutational hot spot and/or critical and well-established functional domain (PM1).

Literature cited by the submitters: PubMed 35531093 (cited by 4 submitters); PubMed 9497259 (cited by Labcorp Genetics (formerly Invitae), Labcorp); PubMed 10362609 (cited by Labcorp Genetics (formerly Invitae), Labcorp); PubMed 12800976 (cited by Labcorp Genetics (formerly Invitae), Labcorp); PubMed 19073179 (cited by Labcorp Genetics (formerly Invitae), Labcorp).

NM_005267.5(GJA8):c.263C>T (p.Pro88Leu)

Gene: GJA8 (gap junction protein alpha 8; plus strand). Cytogenetic location: 1q21.2.
Variant type: single nucleotide variant.
Coding change: c.263C>T on transcript NM_005267.5 (MANE Select); coding-DNA position 263, C replaced by T.
Protein change: p.Pro88Leu; replaces proline 88 with leucine.
Molecular consequence: missense variant.
Genome position (GRCh38, 1-based): chr1:147,908,218, C>T. VCF-style: chr1-147908218-C-T. GRCh37 (hg19) VCF-style: chr1-147380345-C-T.
Other names: c.263C>T (NM_005267.4); short protein forms P88L.
Identifiers: ClinVar variation 1684590 (VCV001684590.16), dbSNP rs782199122, ClinGen allele CA342223744.